The following is an entry in ClinVar:

ClinVar aggregate classification (germline): Likely benign. Review status: criteria provided, multiple submitters, no conflicts (2 of 4 stars). 2 submissions from 2 submitters: Likely benign (2). Last evaluated 2025-02-03.

Conditions:
Arrhythmogenic right ventricular dysplasia 9 (ARVD9). Also called: ARRHYTHMOGENIC RIGHT VENTRICULAR DYSPLASIA, FAMILIAL, 9; Arrhythmogenic Right Ventricular Dysplasia/Cardiomyopathy 9. Identifiers: MedGen C1836906, MONDO:0012180, OMIM 609040.
Arrhythmogenic right ventricular cardiomyopathy (ARVD). Also called: Arrhythmogenic right ventricular dysplasia; Cardiomyopathy, ARVC; Arrhythmogenic cardiomyopathy; Arrhythmogenic Right Ventricular Cardiomyopathy (ARVC). Identifiers: Orphanet 247, MedGen C0349788, MeSH D019571, MONDO:0016587. Disease mechanism: loss of function. Inheritance: Various modes of inheritance.

Allele frequency attached by ClinVar (database versions not stated): gnomAD exomes below 0.00001; gnomAD 0.00001; ExAC 0.00002; TOPMed 0.00002.
gnomAD v4.1: 5 of 1,265,552 alleles (0.0004%); highest among the groups gnomAD compares: Admixed American, 0.0084%; no homozygotes.

Submissions (2):

Labcorp Genetics (formerly Invitae), Labcorp
Classification: Likely benign for Arrhythmogenic right ventricular dysplasia 9. Last evaluated: 2025-02-03. Review status: criteria provided, single submitter. Criteria: Invitae Variant Classification Sherloc (09022015). Collection method: clinical testing. Allele origin: germline.

All of Us Research Program, National Institutes of Health
Classification: Likely benign for Arrhythmogenic right ventricular cardiomyopathy. Last evaluated: 2023-12-13. Review status: criteria provided, single submitter. Criteria: ACMG Guidelines, 2015. Collection method: clinical testing. Allele origin: germline. Inheritance: Autosomal dominant inheritance. Observed: 1 variant allele, 1 heterozygote.
Comment: This study involves interpretation of variants in research participants for the purpose of population health screening. Participant phenotype was not available at the time of variant classification. Additional details can be found in publication PMID: 35346344, PMCID: PMC8962531

NM_001005242.3(PKP2):c.224-14T>C

Gene: PKP2 (plakophilin 2; minus strand). Cytogenetic location: 12p11.21.
Variant type: single nucleotide variant.
Coding change: c.224-14T>C on transcript NM_001005242.3 (MANE Select); 14 bases into the intron before coding-DNA position 224, T replaced by C.
Molecular consequence: intron variant.
Genome position (GRCh38, 1-based): chr12:32,879,046, A>G on the plus strand (T>C on the coding strand, the complement: PKP2 is on the minus strand). VCF-style: chr12-32879046-A-G. GRCh37 (hg19) VCF-style: chr12-33031980-A-G.
Other names: c.224-14T>C (NM_004572.4).
Identifiers: ClinVar variation 2200925 (VCV002200925.5), dbSNP rs755511775, ClinGen allele CA033787.